The following is an entry in ClinVar:

NM_023110.3(FGFR1):c.1231C>T (p.Gln411Ter)

Gene: FGFR1 (fibroblast growth factor receptor 1; minus strand). Cytogenetic location: 8p11.23.
Variant type: single nucleotide variant.
Coding change: c.1231C>T on transcript NM_023110.3 (MANE Select); coding-DNA position 1231, C replaced by T.
Protein change: p.Gln411Ter; replaces glutamine 411 with a stop codon.
Molecular consequence: nonsense.
Genome position (GRCh38, 1-based): chr8:38,419,586, G>A on the plus strand (C>T on the coding strand, the complement: FGFR1 is on the minus strand). VCF-style: chr8-38419586-G-A. GRCh37 (hg19) VCF-style: chr8-38277104-G-A.
Other names: c.1231C>T, p.Gln411Ter (NM_001174063.2); c.1207C>T, p.Gln403Ter (NM_001174064.2); c.1225C>T, p.Gln409Ter (NM_001174065.2, NM_001354367.2, NM_001354369.2 and 2 more transcripts); c.964C>T, p.Gln322Ter (NM_001174066.2, NM_023105.3); c.1324C>T, p.Gln442Ter (NM_001174067.2); c.958C>T, p.Gln320Ter (NM_001354368.2, NM_001354370.2, NM_023106.3); short protein forms Q320*, Q322*, Q403*, Q409*, Q411*, Q442*.
Identifiers: ClinVar variation 3759428 (VCV003759428.2).

ClinVar aggregate classification (germline): Pathogenic (1 of 4 stars; one submission).

Conditions:
Pfeiffer syndrome (ACS5). Also called: ACS V. Identifiers: Orphanet 710, MedGen C0220658, MONDO:0007043, OMIM 101600.
Hypogonadotropic hypogonadism 2 with or without anosmia (HH2). Also called: FGFR1-Related GnRH Deficiency (Kallmann Syndrome 2); HYPOGONADOTROPIC HYPOGONADISM 2 WITHOUT ANOSMIA; HYPOGONADOTROPIC HYPOGONADISM 2 WITH OR WITHOUT ANOSMIA, SUSCEPTIBILITY TO; HYPOGONADOTROPIC HYPOGONADISM 2 WITHOUT ANOSMIA, SUSCEPTIBILITY TO. Identifiers: Orphanet 478, MedGen C1563720, MONDO:0007844, OMIM 147950. Disease mechanism: loss of function.

Submission:

Labcorp Genetics (formerly Invitae), Labcorp
Classification: Pathogenic for Pfeiffer syndrome; Hypogonadotropic hypogonadism 2 with or without anosmia. Last evaluated: 2024-10-16. Review status: criteria provided, single submitter. Criteria: Invitae Variant Classification Sherloc (09022015). Collection method: clinical testing. Allele origin: germline.
Comment: This sequence change creates a premature translational stop signal (p.Gln411*) in the FGFR1 gene. It is expected to result in an absent or disrupted protein product. Loss-of-function variants in FGFR1 are known to be pathogenic (PMID: 12627230). This variant is not present in population databases (gnomAD no frequency). This variant has not been reported in the literature in individuals affected with FGFR1-related conditions. For these reasons, this variant has been classified as Pathogenic.

Literature cited by the submitters: PubMed 12627230.